The following is an entry in ClinVar:

NM_001083962.2(TCF4):c.1587G>A (p.Ser529=)

Gene: TCF4 (transcription factor 4; minus strand). Cytogenetic location: 18q21.2.
Variant type: single nucleotide variant.
Coding change: c.1587G>A on transcript NM_001083962.2 (MANE Select); coding-DNA position 1587, G replaced by A.
Protein change: p.Ser529=; no amino-acid change (serine 529 retained).
Molecular consequence: synonymous variant.
Genome position (GRCh38, 1-based): chr18:55,232,571, C>T on the plus strand (G>A on the coding strand, the complement: TCF4 is on the minus strand). VCF-style: chr18-55232571-C-T. GRCh37 (hg19) VCF-style: chr18-52899802-C-T.
Other names: c.1374G>A, p.Ser458= (NM_001243232.1, NM_001306208.1); c.1197G>A, p.Ser399= (NM_001243233.2, NM_001330605.3, NM_001348212.2 and 1 more transcripts); c.1107G>A, p.Ser369= (NM_001243234.2, NM_001243235.2, NM_001243236.2 and 1 more transcripts); c.1515G>A, p.Ser505= (NM_001306207.1, NM_001348217.1, NM_001348218.2 and 5 more transcripts); c.1584G>A, p.Ser528= (NM_001330604.3, NM_001369569.1, NM_001369570.1 and 2 more transcripts); c.1461G>A, p.Ser487= (NM_001348211.2, NM_001243231.2); c.1104G>A, p.Ser368= (NM_001348214.2); c.939G>A, p.Ser313= (NM_001348215.2); and 6 more.
Identifiers: ClinVar variation 385572 (VCV000385572.8), dbSNP rs567457339, ClinGen allele CA8970165.

ClinVar aggregate classification (germline): Likely benign. Review status: criteria provided, multiple submitters, no conflicts (2 of 4 stars). 2 submissions from 2 submitters: Likely benign (2). Last evaluated 2025-10-20.

Conditions:
Pitt-Hopkins syndrome (PTHS). Also called: ENCEPHALOPATHY, SEVERE EPILEPTIC, WITH AUTONOMIC DYSFUNCTION; MENTAL RETARDATION, SYNDROMAL, WITH INTERMITTENT HYPERVENTILATION. Identifiers: Orphanet 2896, MedGen C1970431, MONDO:0012589, OMIM 610954.

Allele frequency attached by ClinVar (database versions not stated): gnomAD 0.00001; gnomAD exomes 0.00001 and 0.00003; ExAC 0.00002; TOPMed 0.00002.
gnomAD v4.1: 19 of 1,614,132 alleles (0.0012%); highest among the groups gnomAD compares: African/African-American, 0.0053%; no homozygotes.

Submissions (2):

Labcorp Genetics (formerly Invitae), Labcorp
Classification: Likely benign for Pitt-Hopkins syndrome. Last evaluated: 2025-10-20. Review status: criteria provided, single submitter. Criteria: Invitae Variant Classification Sherloc (09022015). Collection method: clinical testing. Allele origin: germline.

GeneDx
Classification: Likely benign. Last evaluated: 2016-04-29. Review status: criteria provided, single submitter. Criteria: GeneDx Variant Classification (06012015). Collection method: clinical testing. Allele origin: germline. Affected: yes.
Comment: This variant is considered likely benign or benign based on one or more of the following criteria: it is a conservative change, it occurs at a poorly conserved position in the protein, it is predicted to be benign by multiple in silico algorithms, and/or has population frequency not consistent with disease.